The following is an entry in ClinVar:

ClinVar aggregate classification (germline): Uncertain significance (1 of 4 stars; one submission).

Conditions:
MHC class II deficiency. Also called: Bare lymphocyte syndrome 2; BLS, TYPE II. Identifiers: Orphanet 572, MedGen C5447452, MONDO:0008855.

Submission:

Labcorp Genetics (formerly Invitae), Labcorp
Classification: Uncertain significance for MHC class II deficiency. Last evaluated: 2024-04-16. Review status: criteria provided, single submitter. Criteria: Invitae Variant Classification Sherloc (09022015). Collection method: clinical testing. Allele origin: germline.
Comment: This sequence change replaces aspartic acid, which is acidic and polar, with asparagine, which is neutral and polar, at codon 481 of the CIITA protein (p.Asp481Asn). This variant is present in population databases (rs745939838, gnomAD 0.008%). This variant has not been reported in the literature in individuals affected with CIITA-related conditions. An algorithm developed to predict the effect of missense changes on protein structure and function (PolyPhen-2) suggests that this variant is likely to be tolerated. In summary, the available evidence is currently insufficient to determine the role of this variant in disease. Therefore, it has been classified as a Variant of Uncertain Significance.

NM_000246.4(CIITA):c.1441G>A (p.Asp481Asn)

Gene: CIITA (class II major histocompatibility complex transactivator; plus strand). Cytogenetic location: 16p13.13.
Variant type: single nucleotide variant.
Coding change: c.1441G>A on transcript NM_000246.4 (MANE Select); coding-DNA position 1441, G replaced by A.
Protein change: p.Asp481Asn; replaces aspartic acid 481 with asparagine.
Molecular consequence: missense variant. On other transcripts: intron variant (1).
Genome position (GRCh38, 1-based): chr16:10,906,933, G>A. VCF-style: chr16-10906933-G-A. GRCh37 (hg19) VCF-style: chr16-11000790-G-A.
Other names: c.1444G>A, p.Asp482Asn (NM_001286402.1, NM_001379332.1); c.1297G>A, p.Asp433Asn (NM_001379330.1); c.1294G>A, p.Asp432Asn (NM_001379331.1); c.1441G>A, p.Asp481Asn (NM_001379333.1); c.1372G>A, p.Asp458Asn (NM_001379334.1); c.860-2050G>A (NM_001286403.2); short protein forms D458N, D432N, D433N, D481N, D482N.
Identifiers: ClinVar variation 3631730 (VCV003631730.2).